The following is an entry in ClinVar:

ClinVar aggregate classification (germline): Uncertain significance (1 of 4 stars; one submission).

Submission:

GeneDx
Classification: Uncertain significance. Last evaluated: 2026-04-11. Review status: criteria provided, single submitter. Criteria: GeneDx Variant Classification Process June 2021. Collection method: clinical testing. Allele origin: germline.
Comment: Not observed at significant frequency in large population cohorts (gnomAD); In-frame deletion of 2 amino acid(s) and insertion of 3 different amino acid(s) in a non-repeat region; In silico analysis suggests that this variant does not alter protein structure/function; Has not been previously published as pathogenic or benign to our knowledge

NM_016263.4(FZR1):c.761_765delinsCTTGTGTG (p.Gln254_Ile255delinsProCysVal)

Gene: FZR1 (fizzy and cell division cycle 20 related 1; plus strand). Cytogenetic location: 19p13.3.
Variant type: Indel.
Coding change: c.761_765delinsCTTGTGTG on transcript NM_016263.4 (MANE Select); coding-DNA positions 761 to 765, AGATC replaced by CTTGTGTG.
Protein change: p.Gln254_Ile255delinsProCysVal.
Molecular consequence: inframe indel.
Genome position (GRCh38, 1-based): chr19:3,531,754-3,531,758, AGATC replaced by CTTGTGTG. VCF-style: chr19-3531754-AGATC-CTTGTGTG. GRCh37 (hg19) VCF-style: chr19-3531752-AGATC-CTTGTGTG.
Other names: c.494_498delinsCTTGTGTG, p.Gln165_Ile166delinsProCysVal (NM_001136197.1); c.761_765delinsCTTGTGTG, p.Gln254_Ile255delinsProCysVal (NM_001136198.1).
Identifiers: ClinVar variation 5037061 (VCV005037061.1).